The following is an entry in ClinVar:

ClinVar aggregate classification (germline): Uncertain significance (1 of 4 stars; one submission).

Conditions:
Familial hypobetalipoproteinemia 1. Also called: Hypobetalipoproteinemia, normotriglyceridemic; Acanthocytosis with hypobetalipoproteinemia; APOB-Related Familial Hypobetalipoproteinemia. Identifiers: MedGen C4551990, MONDO:0014252, OMIM 615558.
Hypercholesterolemia, autosomal dominant, type B (FHCL2). Also called: Familial Hypercholesterolemia Type B; APOLIPOPROTEIN B-100, FAMILIAL DEFECTIVE; APOLIPOPROTEIN B-100, FAMILIAL LIGAND-DEFECTIVE; HYPERCHOLESTEROLEMIA, FAMILIAL, DUE TO LIGAND-DEFECTIVE APOLIPOPROTEIN B; APOB-Related Familial Hypercholesterolemia, Autosomal Dominant; Hyperlipoproteinemia Type IIb. Identifiers: MedGen C1704417, MONDO:0007751, OMIM 144010.

gnomAD v4.1: 3 of 1,613,814 alleles (0.00019%); highest among the groups gnomAD compares: Non-Finnish European, 0.00025%; no homozygotes.

Submission:

Labcorp Genetics (formerly Invitae), Labcorp
Classification: Uncertain significance for Familial hypobetalipoproteinemia 1; Hypercholesterolemia, autosomal dominant, type B. Last evaluated: 2025-10-28. Review status: criteria provided, single submitter. Criteria: Invitae Variant Classification Sherloc (09022015). Collection method: clinical testing. Allele origin: germline.
Comment: This sequence change replaces alanine, which is neutral and non-polar, with valine, which is neutral and non-polar, at codon 4001 of the APOB protein (p.Ala4001Val). This variant is not present in population databases (gnomAD no frequency). This variant has not been reported in the literature in individuals affected with APOB-related conditions. Invitae Evidence Modeling of protein sequence and biophysical properties (such as structural, functional, and spatial information, amino acid conservation, physicochemical variation, residue mobility, and thermodynamic stability) indicates that this missense variant is not expected to disrupt APOB protein function with a negative predictive value of 95%. In summary, the available evidence is currently insufficient to determine the role of this variant in disease. Therefore, it has been classified as a Variant of Uncertain Significance.

NM_000384.3(APOB):c.12002C>T (p.Ala4001Val)

Gene: APOB (apolipoprotein B; minus strand). Cytogenetic location: 2p24.1.
Variant type: single nucleotide variant.
Coding change: c.12002C>T on transcript NM_000384.3 (MANE Select); coding-DNA position 12002, C replaced by T.
Protein change: p.Ala4001Val; replaces alanine 4001 with valine.
Molecular consequence: missense variant.
Genome position (GRCh38, 1-based): chr2:21,004,354, G>A on the plus strand (C>T on the coding strand, the complement: APOB is on the minus strand). VCF-style: chr2-21004354-G-A. GRCh37 (hg19) VCF-style: chr2-21227226-G-A.
Other names: short protein forms A4001V.
Identifiers: ClinVar variation 4793174 (VCV004793174.1).